The following is an entry in ClinVar:

ClinVar aggregate classification (germline): Pathogenic/Likely pathogenic. Review status: criteria provided, multiple submitters, no conflicts (2 of 4 stars). 2 submissions from 2 submitters: Pathogenic (1); Likely pathogenic (1). Last evaluated 2023-12-03.

Conditions:
TUBGCP6-related disorder. Also called: TUBGCP6-related condition.

Submissions (2):

Labcorp Genetics (formerly Invitae), Labcorp
Classification: Pathogenic. Last evaluated: 2023-12-03. Review status: criteria provided, single submitter. Criteria: Invitae Variant Classification Sherloc (09022015). Collection method: clinical testing. Allele origin: germline.
Comment: This sequence change creates a premature translational stop signal (p.Ala1281Glyfs*7) in the TUBGCP6 gene. It is expected to result in an absent or disrupted protein product. Loss-of-function variants in TUBGCP6 are known to be pathogenic (PMID: 25344692). This variant is present in population databases (rs753094803, gnomAD 0.003%). This variant has not been reported in the literature in individuals affected with TUBGCP6-related conditions. ClinVar contains an entry for this variant (Variation ID: 1073518). For these reasons, this variant has been classified as Pathogenic.

Blueprint Genetics
Classification: Likely pathogenic for TUBGCP6-related disorders. Last evaluated: 2022-01-14. Review status: criteria provided, single submitter. Criteria: ACMG Guidelines, 2015. Collection method: clinical testing. Allele origin: germline. Affected: yes. Observed: 1 variant allele.

Literature cited by the submitters: PubMed 25344692 (cited by Labcorp Genetics (formerly Invitae), Labcorp).

NM_020461.4(TUBGCP6):c.3841dup (p.Ala1281fs)

Gene: TUBGCP6 (tubulin gamma complex component 6; minus strand). Cytogenetic location: 22q13.33.
Variant type: Duplication.
Coding change: c.3841dup on transcript NM_020461.4 (MANE Select); coding-DNA position 3841, one base duplicated (G; older notation c.3841dupG).
Protein change: p.Ala1281fs; shifts the reading frame from alanine 1281.
Molecular consequence: frameshift variant.
Genome position (GRCh38, 1-based): chr22:50,220,518, C duplicated on the plus strand (G on the coding strand, the reverse complement: TUBGCP6 is on the minus strand); the first of 5 consecutive C bases (chr22:50,220,518-50,220,522); duplicating any one gives the same sequence. VCF-style (leftmost placement, unchanged base first): chr22-50220517-G-GC. GRCh37 (hg19) VCF-style: chr22-50658946-G-GC.
Other names: short protein forms A1281fs.
Identifiers: ClinVar variation 1073518 (VCV001073518.9), dbSNP rs753094803, ClinGen allele CA10307805.
Genomic context (GRCh38, chr22:50,220,517, plus strand): 5'-GTGTGGCCAGGGGGGCTCTGTTGGGGCCTGGGTGTGTTGGGCTCAGCTTCTGGTGAGAGA[G>GC]CCCCCAGCACCATGTGGGGCGGAGGGATGGGTACATGGGTGTTCCACCGTGGCCGGGTGG-3'